The following is an entry in ClinVar:

ClinVar aggregate classification (germline): Pathogenic (1 of 4 stars; one submission).

Conditions:
Myopathy, proximal, and ophthalmoplegia (CMYO6). Also called: INCLUSION BODY MYOPATHY 3, AUTOSOMAL DOMINANT; MYOPATHY WITH CONGENITAL JOINT CONTRACTURES, OPHTHALMOPLEGIA, AND RIMMED VACUOLES; CONGENITAL MYOPATHY 6 WITH OPHTHALMOPLEGIA. Identifiers: Orphanet 363677, Orphanet 79091, MedGen C1854106, MONDO:0011577, OMIM 605637.

Allele frequency attached by ClinVar (database versions not stated): gnomAD exomes below 0.00001.

Submission:

Labcorp Genetics (formerly Invitae), Labcorp
Classification: Pathogenic for Myopathy, proximal, and ophthalmoplegia. Last evaluated: 2022-04-08. Review status: criteria provided, single submitter. Criteria: Invitae Variant Classification Sherloc (09022015). Collection method: clinical testing. Allele origin: germline.
Comment: For these reasons, this variant has been classified as Pathogenic. This variant has not been reported in the literature in individuals affected with MYH2-related conditions. This variant is not present in population databases (gnomAD no frequency). This sequence change creates a premature translational stop signal (p.Glu806Aspfs*23) in the MYH2 gene. It is expected to result in an absent or disrupted protein product. Loss-of-function variants in MYH2 are known to be pathogenic (PMID: 20418530, 23388406, 24193343).

Literature cited by the submitters: PubMed 20418530; PubMed 23388406; PubMed 24193343.

NM_017534.6(MYH2):c.2418del (p.Glu806fs)

Genes: MYH2 (myosin heavy chain 2; minus strand), MYHAS (myosin heavy chain gene cluster antisense RNA; plus strand). Cytogenetic location: 17p13.1.
Variant type: Deletion.
Coding change: c.2418del on transcript NM_017534.6 (MANE Select); coding-DNA position 2418, one base deleted (G; older notation c.2418delG).
Protein change: p.Glu806fs; shifts the reading frame from glutamic acid 806.
Molecular consequence: frameshift variant.
Genome position (GRCh38, 1-based): chr17:10,533,308, C deleted on the plus strand (G on the coding strand, the reverse complement: MYH2 is on the minus strand). VCF-style (leftmost placement, unchanged base first): chr17-10533307-AC-A. GRCh37 (hg19) VCF-style: chr17-10436624-AC-A.
Other names: c.2418del, p.Glu806fs (NM_001100112.2); short protein forms E806fs.
Identifiers: ClinVar variation 2172073 (VCV002172073.3), dbSNP rs2508440925, ClinGen allele CA2510639293.
Genomic context (GRCh38, chr17:10,533,307, plus strand): 5'-TTGAAGATGGAATATGTGAATAAACATATTTTTTATACCTTCTCTCCACCATCCTCTGGT[AC>A]TCCACTCTTGCCAAGAACCCTCTGCACCTGGCCTGGGTTCGGGTAATCAGCTGGGCCAGC-3'